The following is an entry in ClinVar:

NM_003890.3(FCGBP):c.13130C>T (p.Thr4377Met)

Gene: FCGBP (Fc gamma binding protein; minus strand). Cytogenetic location: 19q13.2.
Variant type: single nucleotide variant.
Coding change: c.13130C>T on transcript NM_003890.3 (MANE Select); coding-DNA position 13130, C replaced by T.
Protein change: p.Thr4377Met; replaces threonine 4377 with methionine.
Molecular consequence: missense variant.
Genome position (GRCh38, 1-based): chr19:39,877,190, G>A on the plus strand (C>T on the coding strand, the complement: FCGBP is on the minus strand). VCF-style: chr19-39877190-G-A. GRCh37 (hg19) VCF-style: chr19-40367830-G-A.
Other names: short protein forms T4377M.
Identifiers: ClinVar variation 4083959 (VCV004083959.8).
Genomic context (GRCh38, chr19:39,877,190, plus strand): 5'-AACACGAAACCCGCGTCGCACTGGCAGCCCTCCACACAGGGGCCCTCACATACGGCTGGC[G>A]TCGTAAGGGGTGCAGGGGACGGACAGCTGGCTGGGCAGGGTGGGCCACAGACCTCATAGT-3'
Protein context (NP_003881.2, residues 4367-4387): ASCPSPAPLT[Thr4377Met]PAVCEGPCVE

ClinVar aggregate classification (germline): Likely benign (1 of 4 stars; one submission).

Submission:

CeGaT Center for Human Genetics Tuebingen
Classification: Likely benign. Last evaluated: 2025-06-01. Review status: criteria provided, single submitter. Criteria: CeGaT Center For Human Genetics Tuebingen Variant Classification Criteria Version 2. Collection method: clinical testing. Allele origin: germline. Affected: yes. Observed: 1 variant allele.
Comment: FCGBP: BS2